The following is an entry in ClinVar:

ClinVar aggregate classification (germline): Conflicting classifications of pathogenicity. Review status: criteria provided, conflicting classifications (1 of 4 stars). 9 submissions from 8 submitters: Uncertain significance (6); Likely benign (3). Last evaluated 2025-12-20.

Conditions:
Hereditary cancer-predisposing syndrome. Also called: Neoplastic Syndromes, Hereditary; Hereditary Cancer Syndrome; Hereditary neoplastic syndrome; Tumor predisposition. Identifiers: Orphanet 140162, MedGen C0027672, MeSH D009386, MONDO:0015356.
Hereditary breast ovarian cancer syndrome. Also called: Hereditary breast and ovarian cancer syndrome; Hereditary breast and/or ovarian cancer syndrome; BRCA1- and BRCA2-Associated Hereditary Breast and Ovarian Cancer; Hereditary breast and ovarian cancer; Breast and ovarian cancer; Hereditary breast and ovarian cancer syndrome (HBOC). Identifiers: Orphanet 145, MedGen C0677776, MeSH D061325, MONDO:0003582. Disease mechanism: loss of function.
Fanconi anemia complementation group D1. Also called: BRCA2-Related Fanconi Anemia. Identifiers: Orphanet 319462, MedGen C1838457, MONDO:0011584, OMIM 605724.
Breast-ovarian cancer, familial, susceptibility to, 2 (BROVCA2). Also called: BRCA2 Hereditary Breast and Ovarian Cancer. Identifiers: Orphanet 145, MedGen C2675520, MONDO:0012933, OMIM 612555. Disease mechanism: loss of function.

Allele frequency attached by ClinVar (database versions not stated): TOPMed below 0.00001; gnomAD 0.00001; gnomAD exomes 0.00002 and 0.00005; ExAC 0.00003.
gnomAD v4.1: 15 of 1,613,952 alleles (0.00093%); highest among the groups gnomAD compares: Admixed American, 0.025%; no homozygotes.

Submissions (9):

Labcorp Genetics (formerly Invitae), Labcorp
Classification: Likely benign for Hereditary breast ovarian cancer syndrome. Last evaluated: 2025-12-20. Review status: criteria provided, single submitter. Criteria: Invitae Variant Classification Sherloc (09022015). Collection method: clinical testing. Allele origin: germline.

Quest Diagnostics Nichols Institute San Juan Capistrano
Classification: Uncertain significance. Last evaluated: 2024-10-27. Review status: criteria provided, single submitter. Criteria: Quest Diagnostics criteria. Collection method: clinical testing. Allele origin: unknown.
Comment: The BRCA2 c.9493A>G (p.Thr3165Ala) variant has been reported in the published literature in individual(s) with ovarian cancer (PMID: 31869745 (2020)), as well as in an individual with colorectal cancer (PMID: 28640387 (2017)). The frequency of this variant in the general population, 0.00038 (13/34574 chromosomes in Admixed American subpopulation (Genome Aggregation Database)), is higher than would generally be expected for pathogenic variants in this gene. Analysis of this variant using bioinformatics tools for the prediction of the effect of amino acid changes on protein structure and function yielded predictions that this variant is benign. Based on the available information, we are unable to determine the clinical significance of this variant.

GeneDx
Classification: Uncertain significance. Last evaluated: 2023-10-24. Review status: criteria provided, single submitter. Criteria: GeneDx Variant Classification Process June 2021. Collection method: clinical testing. Allele origin: germline. Affected: yes.
Comment: Observed in individuals with ovarian or colorectal cancer (PMID: 28640387, 31869745); In silico analysis supports that this missense variant does not alter protein structure/function; Also known as 9721A>G; This variant is associated with the following publications: (PMID: 29161300, 12228710, 28640387, 31869745)

Women's Health and Genetics/Laboratory Corporation of America, LabCorp
Classification: Uncertain significance. Last evaluated: 2023-04-06. Review status: criteria provided, single submitter. Criteria: LabCorp Variant Classification Summary - May 2015. Collection method: clinical testing. Allele origin: germline.
Comment: Variant summary: BRCA2 c.9493A>G (p.Thr3165Ala) results in a non-conservative amino acid change located in the OB3 domain (IPR015188) of the encoded protein sequence. Four of five in-silico tools predict a benign effect of the variant on protein function. The variant allele was found at a frequency of 5.2e-05 in 251138 control chromosomes, predominantly at a frequency of 0.00038 within the Latino subpopulation in the gnomAD database. This frequency is not significantly higher than expected for a pathogenic variant in BRCA2 causing Hereditary Breast And Ovarian Cancer Syndrome (5.2e-05 vs 0.00075), allowing no conclusion about variant significance. c.9493A>G has been reported in the literature in individuals affected with colorectal cancer and ovarian cancer, without strong evidence for causality (example, Ricker 2017 and Gallardo-Rincon_2020). These reports do not provide unequivocal conclusions about association of the variant with disease. To our knowledge, no experimental evidence demonstrating an impact on protein function has been reported. Seven clinical diagnostic laboratories have submitted clinical-significance assessments for this variant to ClinVar after 2014 without evidence for independent evaluation, classifying the variant as uncertain significance (n=3) or likely benign (n=4). Based on the evidence outlined above, the variant was classified as uncertain significance.

Ambry Genetics
Classification: Likely benign for Hereditary cancer-predisposing syndrome. Last evaluated: 2018-04-10. Review status: criteria provided, single submitter. Criteria: Ambry Variant Classification Scheme 2023. Collection method: clinical testing. Allele origin: germline.

ARUP Laboratories, Molecular Genetics and Genomics, ARUP Laboratories
Classification: Uncertain significance. Last evaluated: 2017-07-31. Review status: criteria provided, single submitter. Criteria: ARUP Molecular Germline Variant Investigation Process. Collection method: clinical testing. Allele origin: germline.

Illumina Laboratory Services, Illumina
Classification: Uncertain significance for Breast-ovarian cancer, familial, susceptibility to, 2. Last evaluated: 2017-04-27. Review status: criteria provided, single submitter. Criteria: ICSL Variant Classification Criteria 13 December 2019. Collection method: clinical testing. Allele origin: germline.

Illumina Laboratory Services, Illumina
Classification: Uncertain significance for Fanconi anemia complementation group D1. Last evaluated: 2017-04-27. Review status: criteria provided, single submitter. Criteria: ICSL Variant Classification Criteria 13 December 2019. Collection method: clinical testing. Allele origin: germline.

Color Diagnostics, LLC DBA Color Health
Classification: Likely benign for Hereditary cancer-predisposing syndrome. Last evaluated: 2016-04-25. Review status: criteria provided, single submitter. Criteria: ACMG Guidelines, 2015. Collection method: clinical testing. Allele origin: germline.

Literature cited by the submitters: PubMed 28640387 (cited by Quest Diagnostics Nichols Institute San Juan Capistrano and Women's Health and Genetics/Laboratory Corporation of America, LabCorp); PubMed 31869745 (cited by Quest Diagnostics Nichols Institute San Juan Capistrano and Women's Health and Genetics/Laboratory Corporation of America, LabCorp); PubMed 29161300 (cited by Women's Health and Genetics/Laboratory Corporation of America, LabCorp).

NM_000059.4(BRCA2):c.9493A>G (p.Thr3165Ala)

Gene: BRCA2 (BRCA2 DNA repair associated; plus strand). Cytogenetic location: 13q13.1.
Variant type: single nucleotide variant.
Coding change: c.9493A>G on transcript NM_000059.4 (MANE Select); coding-DNA position 9493, A replaced by G.
Protein change: p.Thr3165Ala; replaces threonine 3165 with alanine.
Molecular consequence: missense variant.
Genome position (GRCh38, 1-based): chr13:32,394,925, A>G. VCF-style: chr13-32394925-A-G. GRCh37 (hg19) VCF-style: chr13-32969062-A-G.
Other names: short protein forms T3165A.
Identifiers: ClinVar variation 142588 (VCV000142588.39), dbSNP rs587782568, ClinGen allele CA026176.